The following is an entry in ClinVar:

ClinVar aggregate classification (germline): Uncertain significance (1 of 4 stars; one submission).

Conditions:
Sulfite oxidase deficiency due to molybdenum cofactor deficiency type C. Also called: Molybdenum cofactor deficiency C; Molybdenum cofactor deficiency, complementation group C. Identifiers: Orphanet 308400, Orphanet 833, MedGen C1854990, MONDO:0014212, OMIM 615501.

Allele frequency attached by ClinVar (database versions not stated): TOPMed below 0.00001; gnomAD 0.00001; gnomAD exomes 0.00003.
gnomAD v4.1: 38 of 1,613,256 alleles (0.0024%); highest among the groups gnomAD compares: Non-Finnish European, 0.0031%; no homozygotes.

Submission:

Labcorp Genetics (formerly Invitae), Labcorp
Classification: Uncertain significance for Sulfite oxidase deficiency due to molybdenum cofactor deficiency type C. Last evaluated: 2024-03-20. Review status: criteria provided, single submitter. Criteria: Invitae Variant Classification Sherloc (09022015). Collection method: clinical testing. Allele origin: germline.
Comment: This sequence change replaces methionine, which is neutral and non-polar, with valine, which is neutral and non-polar, at codon 351 of the GPHN protein (p.Met351Val). This variant is not present in population databases (gnomAD no frequency). This variant has not been reported in the literature in individuals affected with GPHN-related conditions. ClinVar contains an entry for this variant (Variation ID: 2176570). Advanced modeling of protein sequence and biophysical properties (such as structural, functional, and spatial information, amino acid conservation, physicochemical variation, residue mobility, and thermodynamic stability) performed at Invitae indicates that this missense variant is not expected to disrupt GPHN protein function with a negative predictive value of 80%. In summary, the available evidence is currently insufficient to determine the role of this variant in disease. Therefore, it has been classified as a Variant of Uncertain Significance.

NM_020806.5(GPHN):c.1051A>G (p.Met351Val)

Gene: GPHN (gephyrin; plus strand). Cytogenetic location: 14q23.3.
Variant type: single nucleotide variant.
Coding change: c.1051A>G on transcript NM_020806.5 (MANE Select); coding-DNA position 1051, A replaced by G.
Protein change: p.Met351Val; replaces methionine 351 with valine.
Molecular consequence: missense variant.
Genome position (GRCh38, 1-based): chr14:67,058,693, A>G. VCF-style: chr14-67058693-A-G. GRCh37 (hg19) VCF-style: chr14-67525410-A-G.
Other names: c.952A>G, p.Met318Val (NM_001024218.2); c.1111A>G, p.Met371Val (NM_001377514.1); c.1081A>G, p.Met361Val (NM_001377515.1); c.1072A>G, p.Met358Val (NM_001377516.1); c.1024A>G, p.Met342Val (NM_001377517.1); c.1009A>G, p.Met337Val (NM_001377518.1); c.991A>G, p.Met331Val (NM_001377519.1); short protein forms M351V, M371V, M331V, M342V, M358V, M361V, M318V, M337V.
Identifiers: ClinVar variation 2176570 (VCV002176570.4), dbSNP rs1458836230, ClinGen allele CA390258180.